The following is an entry in ClinVar:

NM_004725.4(BUB3):c.38C>T (p.Pro13Leu)

Gene: BUB3 (BUB3 mitotic checkpoint protein; plus strand). Cytogenetic location: 10q26.13.
Variant type: single nucleotide variant.
Coding change: c.38C>T on transcript NM_004725.4 (MANE Select); coding-DNA position 38, C replaced by T.
Protein change: p.Pro13Leu; replaces proline 13 with leucine.
Molecular consequence: missense variant.
Genome position (GRCh38, 1-based): chr10:123,154,955, C>T. VCF-style: chr10-123154955-C-T. GRCh37 (hg19) VCF-style: chr10-124914471-C-T.
Other names: c.38C>T, p.Pro13Leu (NM_001007793.3); short protein forms P13L.
Identifiers: ClinVar variation 3262318 (VCV003262318.1).

ClinVar aggregate classification (germline): Uncertain significance (1 of 4 stars; one submission).

gnomAD v4.1: 1 of 1,614,128 alleles (0.000062%); highest among the groups gnomAD compares: Non-Finnish European, 0.000085%; no homozygotes.

Submission:

Ambry Genetics
Classification: Uncertain significance. Last evaluated: 2024-06-22. Review status: criteria provided, single submitter. Criteria: Ambry Variant Classification Scheme 2023. Collection method: clinical testing. Allele origin: germline.
Comment: The p.P13L variant (also known as c.38C>T), located in coding exon 1 of the BUB3 gene, results from a C to T substitution at nucleotide position 38. The proline at codon 13 is replaced by leucine, an amino acid with similar properties. This amino acid position is conserved. In addition, the in silico prediction for this alteration is inconclusive. Based on the available evidence, the clinical significance of this variant remains unclear.